The following is an entry in ClinVar:

NM_182972.3(IRF2BP2):c.1114A>G (p.Ile372Val)

Gene: IRF2BP2 (interferon regulatory factor 2 binding protein 2; minus strand). Cytogenetic location: 1q42.3.
Variant type: single nucleotide variant.
Coding change: c.1114A>G on transcript NM_182972.3 (MANE Select); coding-DNA position 1114, A replaced by G.
Protein change: p.Ile372Val; replaces isoleucine 372 with valine.
Molecular consequence: missense variant.
Genome position (GRCh38, 1-based): chr1:234,607,787, T>C on the plus strand (A>G on the coding strand, the complement: IRF2BP2 is on the minus strand). VCF-style: chr1-234607787-T-C. GRCh37 (hg19) VCF-style: chr1-234743533-T-C.
Other names: c.1066A>G, p.Ile356Val (NM_001077397.1); short protein forms I356V, I372V.
Identifiers: ClinVar variation 1365293 (VCV001365293.8), dbSNP rs755503522, ClinGen allele CA1461641.
Genomic context (GRCh38, chr1:234,607,787, plus strand): 5'-TCATGGGGATCTTGAGCCCCTCTGTGGATGTGGACAGCCACGGCTGGGCCTCTCCGTTGA[T>C]CTTAGGGGGCCCGACTTCACCTTCTGGTTCTGGAGAGGGCTTCCTTTTCCTTGCTGTTCT-3'
Protein context (NP_892017.2, residues 362-382): EPEGEVGPPK[Ile372Val]NGEAQPWLST

ClinVar aggregate classification (germline): Uncertain significance (1 of 4 stars; one submission).

Allele frequency attached by ClinVar (database versions not stated): gnomAD exomes below 0.00001 and 0.00001; ExAC 0.00001.

Submission:

Labcorp Genetics (formerly Invitae), Labcorp
Classification: Uncertain significance. Last evaluated: 2024-02-17. Review status: criteria provided, single submitter. Criteria: Invitae Variant Classification Sherloc (09022015). Collection method: clinical testing. Allele origin: germline.
Comment: This sequence change replaces isoleucine, which is neutral and non-polar, with valine, which is neutral and non-polar, at codon 372 of the IRF2BP2 protein (p.Ile372Val). This variant is present in population databases (rs755503522, gnomAD 0.006%). This variant has not been reported in the literature in individuals affected with IRF2BP2-related conditions. ClinVar contains an entry for this variant (Variation ID: 1365293). An algorithm developed to predict the effect of missense changes on protein structure and function (PolyPhen-2) suggests that this variant is likely to be disruptive. In summary, the available evidence is currently insufficient to determine the role of this variant in disease. Therefore, it has been classified as a Variant of Uncertain Significance.